The following is an entry in ClinVar:

NM_032608.7(MYO18B):c.4273C>T (p.Arg1425Trp)

Gene: MYO18B (myosin XVIIIB; plus strand). Cytogenetic location: 22q12.1.
Variant type: single nucleotide variant.
Coding change: c.4273C>T on transcript NM_032608.7 (MANE Select); coding-DNA position 4273, C replaced by T.
Protein change: p.Arg1425Trp; replaces arginine 1425 with tryptophan.
Molecular consequence: missense variant.
Genome position (GRCh38, 1-based): chr22:25,878,007, C>T. VCF-style: chr22-25878007-C-T. GRCh37 (hg19) VCF-style: chr22-26273974-C-T.
Other names: c.4276C>T, p.Arg1426Trp (NM_001318245.2); c.4273C>T (NM_032608.5); short protein forms R1425W, R1426W.
Identifiers: ClinVar variation 1376648 (VCV001376648.4), dbSNP rs376264620, ClinGen allele CA10160823.

ClinVar aggregate classification (germline): Uncertain significance. Review status: criteria provided, multiple submitters, no conflicts (2 of 4 stars). 2 submissions from 2 submitters: Uncertain significance (2). Last evaluated 2023-04-19.

Conditions:
Inborn genetic diseases. Identifiers: MedGen C0950123, MeSH D030342.

Allele frequency attached by ClinVar (database versions not stated): ESP Exome Variant Server 0.00008; ExAC 0.00009; TOPMed 0.00015.
gnomAD v4.1: 66 of 1,584,572 alleles (0.0042%); highest among the groups gnomAD compares: East Asian, 0.016%; no homozygotes.

Submissions (2):

Ambry Genetics
Classification: Uncertain significance for Inborn genetic diseases. Last evaluated: 2023-04-19. Review status: criteria provided, single submitter. Criteria: Ambry Variant Classification Scheme 2023. Collection method: clinical testing. Allele origin: germline.

Labcorp Genetics (formerly Invitae), Labcorp
Classification: Uncertain significance. Last evaluated: 2022-07-19. Review status: criteria provided, single submitter. Criteria: Invitae Variant Classification Sherloc (09022015). Collection method: clinical testing. Allele origin: germline.
Comment: This sequence change replaces arginine, which is basic and polar, with tryptophan, which is neutral and slightly polar, at codon 1425 of the MYO18B protein (p.Arg1425Trp). The frequency data for this variant in the population databases is considered unreliable, as metrics indicate poor data quality at this position in the gnomAD database. This variant has not been reported in the literature in individuals affected with MYO18B-related conditions. ClinVar contains an entry for this variant (Variation ID: 1376648). Algorithms developed to predict the effect of missense changes on protein structure and function are either unavailable or do not agree on the potential impact of this missense change (SIFT: "Not Available"; PolyPhen-2: "Probably Damaging"; Align-GVGD: "Not Available"). In summary, the available evidence is currently insufficient to determine the role of this variant in disease. Therefore, it has been classified as a Variant of Uncertain Significance.